The following is an entry in ClinVar:

NM_001130438.3(SPTAN1):c.7114C>T (p.Pro2372Ser)

Gene: SPTAN1 (spectrin alpha, non-erythrocytic 1; plus strand). Cytogenetic location: 9q34.11.
Variant type: single nucleotide variant.
Coding change: c.7114C>T on transcript NM_001130438.3 (MANE Select); coding-DNA position 7114, C replaced by T.
Protein change: p.Pro2372Ser; replaces proline 2372 with serine.
Molecular consequence: missense variant.
Genome position (GRCh38, 1-based): chr9:128,632,672, C>T. VCF-style: chr9-128632672-C-T. GRCh37 (hg19) VCF-style: chr9-131394951-C-T.
Other names: c.7039C>T, p.Pro2347Ser (NM_001195532.2); c.7177C>T, p.Pro2393Ser (NM_001363759.2); c.7054C>T, p.Pro2352Ser (NM_001363765.2, NM_001375314.2); c.7201C>T, p.Pro2401Ser (NM_001375310.1); c.7114C>T, p.Pro2372Ser (NM_001375311.2); c.7150C>T, p.Pro2384Ser (NM_001375312.2); c.7096C>T, p.Pro2366Ser (NM_001375313.1); c.7213C>T, p.Pro2405Ser (NM_001375318.1); and 1 more; short protein forms P2367S, P2372S, P2352S, P2393S, P2384S, P2347S, P2366S, P2401S.
Identifiers: ClinVar variation 1422656 (VCV001422656.9), dbSNP rs1859963796, ClinGen allele CA375100887.

ClinVar aggregate classification (germline): Uncertain significance (1 of 4 stars; one submission).

Conditions:
Early-infantile DEE. Also called: Ohtahara syndrome; Early infantile epileptic encephalopathy with suppression bursts; Early infantile epileptic encephalopathy. Identifiers: Orphanet 1934, MedGen C0393706, MONDO:0800491.

Allele frequency attached by ClinVar (database versions not stated): gnomAD 0.00001.
gnomAD v4.1: 2 of 1,613,862 alleles (0.00012%); highest among the groups gnomAD compares: Admixed American, 0.0017%; no homozygotes.

Submission:

Labcorp Genetics (formerly Invitae), Labcorp
Classification: Uncertain significance for Early-infantile DEE. Last evaluated: 2020-11-13. Review status: criteria provided, single submitter. Criteria: Invitae Variant Classification Sherloc (09022015). Collection method: clinical testing. Allele origin: germline.
Comment: This sequence change replaces proline with serine at codon 2372 of the SPTAN1 protein (p.Pro2372Ser). The proline residue is highly conserved and there is a moderate physicochemical difference between proline and serine. This variant is not present in population databases (ExAC no frequency). This variant has not been reported in the literature in individuals with SPTAN1-related conditions. Algorithms developed to predict the effect of missense changes on protein structure and function are either unavailable or do not agree on the potential impact of this missense change (SIFT: "Deleterious"; PolyPhen-2: "Benign"; Align-GVGD: "Class C65"). In summary, the available evidence is currently insufficient to determine the role of this variant in disease. Therefore, it has been classified as a Variant of Uncertain Significance.